The following is an entry in ClinVar:

NM_000214.3(JAG1):c.2319C>T (p.Gly773=)

Gene: JAG1 (jagged canonical Notch ligand 1; minus strand). Cytogenetic location: 20p12.2.
Variant type: single nucleotide variant.
Coding change: c.2319C>T on transcript NM_000214.3 (MANE Select); coding-DNA position 2319, C replaced by T.
Protein change: p.Gly773=; no amino-acid change (glycine 773 retained).
Molecular consequence: synonymous variant.
Genome position (GRCh38, 1-based): chr20:10,644,888, G>A on the plus strand (C>T on the coding strand, the complement: JAG1 is on the minus strand). VCF-style: chr20-10644888-G-A. GRCh37 (hg19) VCF-style: chr20-10625536-G-A.
Identifiers: ClinVar variation 1485770 (VCV001485770.6), dbSNP rs2122602306, ClinGen allele CA509659845.
Genomic context (GRCh38, chr20:10,644,888, plus strand): 5'-AGCCCTGGGAGAGTTCAAGGGGGGAGGACACTCACTCTGAGCACAGATGGGCCCCTCCCA[G>A]CCTTCCTTGCAGACGCACGTAAAGGACTCGCCGTTGACCACACATGTGCCCCCATTATGG-3'
Protein context (NP_000205.1, residues 763-783): GESFTCVCKE[Gly773=]WEGPICAQNT

ClinVar aggregate classification (germline): Uncertain significance (1 of 4 stars; one submission).

Conditions:
Alagille syndrome due to a JAG1 point mutation. Also called: JAG1-Related Alagille Syndrome; Alagille Syndrome 1; HEPATIC DUCTULAR HYPOPLASIA, SYNDROMATIC. Identifiers: Orphanet 261619, Orphanet 52, MedGen C1956125, MONDO:0016862, OMIM 118450.

Submission:

Labcorp Genetics (formerly Invitae), Labcorp
Classification: Uncertain significance for Alagille syndrome due to a JAG1 point mutation. Last evaluated: 2021-08-23. Review status: criteria provided, single submitter. Criteria: Invitae Variant Classification Sherloc (09022015). Collection method: clinical testing. Allele origin: germline.
Comment: In summary, the available evidence is currently insufficient to determine the role of this variant in disease. Therefore, it has been classified as a Variant of Uncertain Significance. Algorithms developed to predict the effect of sequence changes on RNA splicing suggest that this variant may create or strengthen a splice site. This variant has not been reported in the literature in individuals affected with JAG1-related conditions. This variant is not present in population databases (ExAC no frequency). This sequence change affects codon 773 of the JAG1 mRNA. It is a 'silent' change, meaning that it does not change the encoded amino acid sequence of the JAG1 protein.